The following is an entry in ClinVar:

ClinVar aggregate classification (germline): Uncertain significance (1 of 4 stars; one submission).

Conditions:
Cardiovascular phenotype. Identifiers: MedGen CN230736.

gnomAD v4.1: 1 of 1,613,854 alleles (0.000062%); highest among the groups gnomAD compares: Admixed American, 0.0017%; no homozygotes.

Submission:

Ambry Genetics
Classification: Uncertain significance for Cardiovascular phenotype. Last evaluated: 2026-06-17. Review status: criteria provided, single submitter. Criteria: Ambry Variant Classification Scheme 2023. Collection method: clinical testing. Allele origin: germline.
Comment: The c.1157C>G (p.P386R) alteration is located in exon 9 (coding exon 8) of the TBX5 gene. This alteration results from a C to G substitution at nucleotide position 1157, causing the proline (P) at amino acid position 386 to be replaced by an arginine (R). Based on data from gnomAD, the G allele has an overall frequency of <0.001% (1/250866) total alleles studied. The highest observed frequency was 0.003% (1/34590) of Latino alleles. Based on insufficient or conflicting evidence, the clinical significance of this alteration remains unclear.

NM_181486.4(TBX5):c.1157C>G (p.Pro386Arg)

Gene: TBX5 (T-box transcription factor 5; minus strand). Cytogenetic location: 12q24.21.
Variant type: single nucleotide variant.
Coding change: c.1157C>G on transcript NM_181486.4 (MANE Select); coding-DNA position 1157, C replaced by G.
Protein change: p.Pro386Arg; replaces proline 386 with arginine.
Molecular consequence: missense variant.
Genome position (GRCh38, 1-based): chr12:114,355,932, G>C on the plus strand (C>G on the coding strand, the complement: TBX5 is on the minus strand). VCF-style: chr12-114355932-G-C. GRCh37 (hg19) VCF-style: chr12-114793737-G-C.
Other names: c.1157C>G, p.Pro386Arg (NM_000192.3); c.1007C>G, p.Pro336Arg (NM_080717.4); short protein forms P386R, P336R.
Identifiers: ClinVar variation 5030567 (VCV005030567.1).
Genomic context (GRCh38, chr12:114,355,932, plus strand): 5'-GAAGGCATGCTTGGCCACGTGTTGCAGCTGATGTCCTCTAGGCTGGGCACAGGCTCGCTG[G>C]GGGGCGCAGAGCTGGCATACATGCAAGCTTGCCGCTGTGCCGACTCTGTCCTGTAGGAGG-3'
Protein context (NP_852259.1, residues 376-396): QACMYASSAP[Pro386Arg]SEPVPSLEDI